The following is an entry in ClinVar:

ClinVar aggregate classification (germline): Uncertain significance (1 of 4 stars; one submission).

Submission:

Labcorp Genetics (formerly Invitae), Labcorp
Classification: Uncertain significance. Last evaluated: 2021-08-05. Review status: criteria provided, single submitter. Criteria: Invitae Variant Classification Sherloc (09022015). Collection method: clinical testing. Allele origin: germline.
Comment: This variant is not present in population databases (ExAC no frequency). This sequence change replaces aspartic acid with glutamic acid at codon 133 of the IFT27 protein (p.Asp133Glu). The aspartic acid residue is moderately conserved and there is a small physicochemical difference between aspartic acid and glutamic acid. This variant has not been reported in the literature in individuals affected with IFT27-related conditions. In summary, the available evidence is currently insufficient to determine the role of this variant in disease. Therefore, it has been classified as a Variant of Uncertain Significance. Advanced modeling of protein sequence and biophysical properties (such as structural, functional, and spatial information, amino acid conservation, physicochemical variation, residue mobility, and thermodynamic stability) performed at Invitae indicates that this missense variant is not expected to disrupt IFT27 protein function.

NM_001177701.3(IFT27):c.402C>G (p.Asp134Glu)

Genes: CACNG2-DT (CACNG2 divergent transcript; plus strand), IFT27 (intraflagellar transport 27; minus strand). Cytogenetic location: 22q12.3.
Variant type: single nucleotide variant.
Coding change: c.402C>G on transcript NM_001177701.3 (MANE Select); coding-DNA position 402, C replaced by G.
Protein change: p.Asp134Glu; replaces aspartic acid 134 with glutamic acid.
Molecular consequence: missense variant.
Genome position (GRCh38, 1-based): chr22:36,762,964, G>C on the plus strand (C>G on the coding strand, the complement: IFT27 is on the minus strand). VCF-style: chr22-36762964-G-C. GRCh37 (hg19) VCF-style: chr22-37159008-G-C.
Other names: c.402C>G, p.Asp134Glu (NM_001363003.2); c.399C>G, p.Asp133Glu (NM_006860.5); short protein forms D133E, D134E.
Identifiers: ClinVar variation 1431276 (VCV001431276.6), dbSNP rs1938136033, ClinGen allele CA411381661.